The following is an entry in ClinVar:

NM_005560.6(LAMA5):c.7131C>T (p.His2377=)

Gene: LAMA5 (laminin subunit alpha 5; minus strand). Cytogenetic location: 20q13.33.
Variant type: single nucleotide variant.
Coding change: c.7131C>T on transcript NM_005560.6 (MANE Select); coding-DNA position 7131, C replaced by T.
Protein change: p.His2377=; no amino-acid change (histidine 2377 retained).
Molecular consequence: synonymous variant.
Genome position (GRCh38, 1-based): chr20:62,318,562, G>A on the plus strand (C>T on the coding strand, the complement: LAMA5 is on the minus strand). VCF-style: chr20-62318562-G-A. GRCh37 (hg19) VCF-style: chr20-60893618-G-A.
Identifiers: ClinVar variation 798942 (VCV000798942.6), dbSNP rs138694611, ClinGen allele CA9941411.
Genomic context (GRCh38, chr20:62,318,562, plus strand): 5'-CTCCCGTGTGGCGTCCACTGCCCGGTTCAAAGCCTCTCGCAGGTCCATGAGGCCGGCCTC[G>A]TGCTGGGCCAGCCGGTCGCGGGTTTGTGTGGCCAGTGCCTGGTTCTCCTCCCAGAGGCTG-3'
Protein context (NP_005551.3, residues 2367-2387): ATQTRDRLAQ[His2377=]EAGLMDLREA

ClinVar aggregate classification (germline): Likely benign. Review status: criteria provided, single submitter (1 of 4 stars). 2 submissions from 2 submitters: Likely benign (1). 1 of the submissions does not count toward it. Last evaluated 2025-03-11.

Conditions:
LAMA5-related disorder. Also called: LAMA5-related condition; LAMA5-Related Disorders.

Allele frequency attached by ClinVar (database versions not stated): gnomAD 0.00006; ESP Exome Variant Server 0.00008; gnomAD exomes 0.00009; TOPMed 0.00009; ExAC 0.00010; 1000 Genomes Project 0.00060; 1000 Genomes Project 30x 0.00062.
gnomAD v4.1: 100 of 1,610,274 alleles (0.0062%); highest among the groups gnomAD compares: African/African-American, 0.027%; no homozygotes.

Submissions (2):

Labcorp Genetics (formerly Invitae), Labcorp
Classification: Likely benign. Last evaluated: 2025-03-11. Review status: criteria provided, single submitter. Criteria: Invitae Variant Classification Sherloc (09022015). Collection method: clinical testing. Allele origin: germline.

PreventionGenetics, part of Exact Sciences
Classification: Likely benign for LAMA5-related condition. Last evaluated: 2019-07-03. Review status: no assertion criteria provided. Collection method: clinical testing. Allele origin: germline. Not counted in ClinVar's aggregate classification.
Comment: This variant is classified as likely benign based on ACMG/AMP sequence variant interpretation guidelines (Richards et al. 2015 PMID: 25741868, with internal and published modifications).